The following is an entry in ClinVar:

ClinVar aggregate classification (germline): Uncertain significance (1 of 4 stars; one submission).

Conditions:
Intellectual developmental disorder, X-linked 93. Also called: MENTAL RETARDATION, X-LINKED, WITH MACROCEPHALY; Intellectual disability, X-linked 93. Identifiers: MedGen C1970841, MONDO:0010393, OMIM 300659.

Submission:

Victorian Clinical Genetics Services, Murdoch Childrens Research Institute
Classification: Uncertain significance for Intellectual developmental disorder, X-linked 93. Last evaluated: 2024-10-09. Review status: criteria provided, single submitter. Criteria: ACMG Guidelines, 2015. Collection method: clinical testing. Allele origin: germline. Inheritance: X-linked recessive inheritance. Affected: yes.
Comment: Based on the classification scheme VCGS_Germline_v1.3.4, this variant is classified as VUS-3B. Following criteria are met: 0102 - Loss of function is a known mechanism of disease in this gene and is associated with intellectual developmental disorder, X-linked 93 (MIM#300659). (I) 0109 - This gene is associated with X-linked disease. Affected heterozygous females have been reported (PMIDs:17668385, 36514184, 36414205). (I) 0200 - Variant is predicted to result in a missense amino acid change from aspartic acid to valine. (I) 0253 - This variant is hemizygous. (I) 0301 - Variant is absent from gnomAD (both v2 and v3). (SP) 0309 - An alternative amino acid change at the same position has been observed in gnomAD (v2) (0 heterozygotes, 0 homozygotes, 1 hemizygote). (I) 0501 - Missense variant consistently predicted to be damaging by multiple in silico tools or highly conserved with a major amino acid change. (SP) 0604 - Variant is not located in an established domain, motif, hotspot or informative constraint region. (I) 0705 - No comparable missense variants have previous evidence for pathogenicity. (I) 0807 - This variant has no previous evidence of pathogenicity. (I) 0905 - No published segregation evidence has been identified for this variant. (I) 1007 - No published functional evidence has been identified for this variant. (I) Legend: (SP) - Supporting pathogenic, (I) - Information, (SB) - Supporting benign

Literature cited by the submitters: PubMed 17668385; PubMed 36414205; PubMed 36514184.

NM_153252.5(BRWD3):c.3962A>T (p.Asp1321Val)

Gene: BRWD3 (bromodomain and WD repeat domain containing 3; minus strand). Cytogenetic location: Xq21.1.
Variant type: single nucleotide variant.
Coding change: c.3962A>T on transcript NM_153252.5 (MANE Select); coding-DNA position 3962, A replaced by T.
Protein change: p.Asp1321Val; replaces aspartic acid 1321 with valine.
Molecular consequence: missense variant.
Genome position (GRCh38, 1-based): chrX:80,686,906, T>A on the plus strand (A>T on the coding strand, the complement: BRWD3 is on the minus strand). VCF-style: chrX-80686906-T-A. GRCh37 (hg19) VCF-style: chrX-79942405-T-A.
Other names: short protein forms D1321V.
Identifiers: ClinVar variation 3377340 (VCV003377340.1).